The following is an entry in ClinVar:

NM_001110556.2(FLNA):c.2724C>G (p.Asp908Glu)

Gene: FLNA (filamin A; minus strand). Cytogenetic location: Xq28.
Variant type: single nucleotide variant.
Coding change: c.2724C>G on transcript NM_001110556.2 (MANE Select); coding-DNA position 2724, C replaced by G.
Protein change: p.Asp908Glu; replaces aspartic acid 908 with glutamic acid.
Molecular consequence: missense variant.
Genome position (GRCh38, 1-based): chrX:154,362,081, G>C on the plus strand (C>G on the coding strand, the complement: FLNA is on the minus strand). VCF-style: chrX-154362081-G-C. GRCh37 (hg19) VCF-style: chrX-153590449-G-C.
Other names: c.2724C>G, p.Asp908Glu (NM_001456.4); short protein forms D908E.
Identifiers: ClinVar variation 3754004 (VCV003754004.2).

ClinVar aggregate classification (germline): Uncertain significance (1 of 4 stars; one submission).

Conditions:
Melnick-Needles syndrome (MNS). Also called: MELNICK-NEEDLES OSTEODYSPLASTY; OSTEODYSPLASTY OF MELNICK AND NEEDLES; Melnick-Needles Syndrome (FLNA-MNS). Identifiers: Orphanet 2484, MedGen C0025237, MONDO:0010650, OMIM 309350.
Frontometaphyseal dysplasia (FMD1). Identifiers: Orphanet 1826, MedGen C0265293, MONDO:0015942.
Heterotopia, periventricular, X-linked dominant (PVNH1). Also called: PERIVENTRICULAR NODULAR HETEROTOPIA 1; X-linked periventricular heterotopia; PERIVENTRICULAR NODULAR HETEROTOPIA 4; HETEROTOPIA, PERIVENTRICULAR, 1. Identifiers: Orphanet 2149, Orphanet 82004, MedGen C1848213, MONDO:0010233, OMIM 300049.
Oto-palato-digital syndrome, type II (OPD2). Also called: FACIOPALATOOSSEOUS SYNDROME; OPD II SYNDROME; Otopalatodigital Syndrome, Type II; Otopalatodigital Syndrome Type 2 (FLNA-OPD2). Identifiers: Orphanet 669, Orphanet 90652, MedGen C1844696, MONDO:0010571, OMIM 304120.

Submission:

Labcorp Genetics (formerly Invitae), Labcorp
Classification: Uncertain significance for Oto-palato-digital syndrome, type II; Heterotopia, periventricular, X-linked dominant; Frontometaphyseal dysplasia; Melnick-Needles syndrome. Last evaluated: 2024-02-06. Review status: criteria provided, single submitter. Criteria: Invitae Variant Classification Sherloc (09022015). Collection method: clinical testing. Allele origin: germline.
Comment: This sequence change replaces aspartic acid, which is acidic and polar, with glutamic acid, which is acidic and polar, at codon 908 of the FLNA protein (p.Asp908Glu). This variant is not present in population databases (gnomAD no frequency). This variant has not been reported in the literature in individuals affected with FLNA-related conditions. Advanced modeling of protein sequence and biophysical properties (such as structural, functional, and spatial information, amino acid conservation, physicochemical variation, residue mobility, and thermodynamic stability) performed at Invitae indicates that this missense variant is not expected to disrupt FLNA protein function with a negative predictive value of 95%. In summary, the available evidence is currently insufficient to determine the role of this variant in disease. Therefore, it has been classified as a Variant of Uncertain Significance.